The following is an entry in ClinVar:

NM_003238.6(TGFB2):c.174T>G (p.Pro58=)

Gene: TGFB2 (transforming growth factor beta 2; plus strand). Cytogenetic location: 1q41.
Variant type: single nucleotide variant.
Coding change: c.174T>G on transcript NM_003238.6 (MANE Select); coding-DNA position 174, T replaced by G.
Protein change: p.Pro58=; no amino-acid change (proline 58 retained).
Molecular consequence: synonymous variant. On other transcripts: non-coding transcript variant (2).
Genome position (GRCh38, 1-based): chr1:218,346,875, T>G. VCF-style: chr1-218346875-T-G. GRCh37 (hg19) VCF-style: chr1-218520217-T-G.
Other names: c.174T>G (NM_003238.4); c.174T>G, p.Pro58= (NM_001135599.4).
Identifiers: ClinVar variation 2056261 (VCV002056261.6), dbSNP rs775518697, ClinGen allele CA1398378.

ClinVar aggregate classification (germline): Likely benign. Review status: criteria provided, single submitter (1 of 4 stars). 2 submissions from 2 submitters: Likely benign (1). 1 of the submissions does not count toward it. Last evaluated 2024-08-11.

Conditions:
Loeys-Dietz syndrome 4 (LDS4). Also called: TGFB2-Related Loeys-Dietz Syndrome; ANEURYSM, AORTIC AND CEREBRAL, WITH ARTERIAL TORTUOSITY AND SKELETAL MANIFESTATIONS. Identifiers: MedGen C3553762, MONDO:0013897, OMIM 614816.
TGFB2-related disorder. Also called: TGFB2-related condition.

Allele frequency attached by ClinVar (database versions not stated): gnomAD exomes below 0.00001; ExAC 0.00001.
gnomAD v4.1: 5 of 1,614,172 alleles (0.00031%); highest among the groups gnomAD compares: Non-Finnish European, 0.00042%; no homozygotes.

Submissions (2):

Labcorp Genetics (formerly Invitae), Labcorp
Classification: Likely benign for Loeys-Dietz syndrome 4. Last evaluated: 2024-08-11. Review status: criteria provided, single submitter. Criteria: Invitae Variant Classification Sherloc (09022015). Collection method: clinical testing. Allele origin: germline.

PreventionGenetics, part of Exact Sciences
Classification: Likely benign for TGFB2-related condition. Last evaluated: 2022-12-06. Review status: no assertion criteria provided. Collection method: clinical testing. Allele origin: germline. Not counted in ClinVar's aggregate classification.
Comment: This variant is classified as likely benign based on ACMG/AMP sequence variant interpretation guidelines (Richards et al. 2015 PMID: 25741868, with internal and published modifications).